The following is an entry in ClinVar:

ClinVar aggregate classification (germline): Uncertain significance (1 of 4 stars; one submission).

Conditions:
Neuropathy, hereditary sensory and autonomic, type 2A (HSAN2A). Also called: ACROOSTEOLYSIS, GIACCAI TYPE; ACROOSTEOLYSIS, NEUROGENIC; MORVAN DISEASE; NEUROPATHY, CONGENITAL SENSORY; NEUROPATHY, HEREDITARY SENSORY RADICULAR, AUTOSOMAL RECESSIVE; NEUROPATHY, HEREDITARY SENSORY, TYPE IIA. Identifiers: Orphanet 970, MedGen C2752089, MONDO:0024309, OMIM 201300.
Pseudohypoaldosteronism type 2C (PHA2C). Also called: Pseudohypoaldosteronism Type IIC. Identifiers: Orphanet 757, Orphanet 88940, MedGen C1840391, MONDO:0013778, OMIM 614492.

gnomAD v4.1: 3 of 1,591,754 alleles (0.00019%); highest among the groups gnomAD compares: South Asian, 0.0023%; no homozygotes.

Submission:

Labcorp Genetics (formerly Invitae), Labcorp
Classification: Uncertain significance for Neuropathy, hereditary sensory and autonomic, type 2A; Pseudohypoaldosteronism type 2C. Last evaluated: 2024-10-17. Review status: criteria provided, single submitter. Criteria: Invitae Variant Classification Sherloc (09022015). Collection method: clinical testing. Allele origin: germline.
Comment: This sequence change replaces alanine, which is neutral and non-polar, with threonine, which is neutral and polar, at codon 1974 of the WNK1 protein (p.Ala1974Thr). This variant is present in population databases (rs568836447, gnomAD 0.007%). This variant has not been reported in the literature in individuals affected with WNK1-related conditions. Invitae Evidence Modeling of protein sequence and biophysical properties (such as structural, functional, and spatial information, amino acid conservation, physicochemical variation, residue mobility, and thermodynamic stability) indicates that this missense variant is not expected to disrupt WNK1 protein function with a negative predictive value of 95%. In summary, the available evidence is currently insufficient to determine the role of this variant in disease. Therefore, it has been classified as a Variant of Uncertain Significance.

NM_018979.4(WNK1):c.5164G>A (p.Ala1722Thr)

Gene: WNK1 (WNK lysine deficient protein kinase 1; plus strand). Cytogenetic location: 12p13.33.
Variant type: single nucleotide variant.
Coding change: c.5164G>A on transcript NM_018979.4 (MANE Select); coding-DNA position 5164, G replaced by A.
Protein change: p.Ala1722Thr; replaces alanine 1722 with threonine.
Molecular consequence: missense variant.
Genome position (GRCh38, 1-based): chr12:885,968, G>A. VCF-style: chr12-885968-G-A. GRCh37 (hg19) VCF-style: chr12-995134-G-A.
Other names: c.5944G>A, p.Ala1982Thr (NM_001184985.2); c.4423G>A, p.Ala1475Thr (NM_014823.3); c.5920G>A, p.Ala1974Thr (NM_213655.5); short protein forms A1475T, A1722T, A1974T, A1982T.
Identifiers: ClinVar variation 3753842 (VCV003753842.2).
Genomic context (GRCh38, chr12:885,968, plus strand): 5'-CTCCTGACTTCTACCACAAGTACTTGCTTACCACCAACCAATTTACCACTAGGAACAGTT[G>A]CTTTGCCAGTTACACCAGTGGTCACACCTGGGCAAGTTTCTACCCCAGTCAGCACTACTA-3'
Protein context (NP_061852.3, residues 1712-1732): PPTNLPLGTV[Ala1722Thr]LPVTPVVTPG